The following is an entry in ClinVar:

ClinVar aggregate classification (germline): Pathogenic (1 of 4 stars; one submission).

Conditions:
Hereditary breast ovarian cancer syndrome. Also called: Hereditary breast and ovarian cancer syndrome (HBOC); Hereditary breast and/or ovarian cancer syndrome; Hereditary breast and ovarian cancer; BRCA1- and BRCA2-Associated Hereditary Breast and Ovarian Cancer; Hereditary breast and ovarian cancer syndrome; Breast and ovarian cancer. Identifiers: Orphanet 145, MedGen C0677776, MeSH D061325, MONDO:0003582. Disease mechanism: loss of function.

Submission:

Labcorp Genetics (formerly Invitae), Labcorp
Classification: Pathogenic for Hereditary breast ovarian cancer syndrome. Last evaluated: 2021-08-30. Review status: criteria provided, single submitter. Criteria: Invitae Variant Classification Sherloc (09022015). Collection method: clinical testing. Allele origin: germline.
Comment: This sequence change deletes 13 nucleotides and inserts 5 nucleotides in exon 10 of the BRCA1 mRNA (c.2143_2155delinsTCTTT), causing a frameshift at codon 715. This creates a premature translational stop signal (p.Thr715Serfs*8) and is expected to result in an absent or disrupted protein product. This variant is not present in population databases (ExAC no frequency). This variant has not been reported in the literature in individuals with BRCA1-related conditions. ClinVar contains an entry for this variant (Variation ID: 570393). Loss-of-function variants in BRCA1 are known to be pathogenic (PMID: 20104584). For these reasons, this variant has been classified as Pathogenic.

Literature cited by the submitters: PubMed 20104584.

NM_007294.4(BRCA1):c.2145_2152del (p.Thr715_Ser716insTer)

Gene: BRCA1 (BRCA1 DNA repair associated; minus strand). Cytogenetic location: 17q21.31.
Variant type: Deletion.
Coding change: c.2145_2152del on transcript NM_007294.4 (MANE Select); coding-DNA positions 2145 to 2152, 8 bases deleted (CAGTGAAC; older notation c.2145_2152delCAGTGAAC).
Protein change: p.Thr715_Ser716insTer.
Molecular consequence: frameshift variant. On other transcripts: intron variant (137).
Genome position (GRCh38, 1-based): chr17:43,093,379-43,093,386, GTTCACTG deleted on the plus strand (CAGTGAAC on the coding strand, the reverse complement: BRCA1 is on the minus strand); deleting any 8 consecutive bases within chr17:43,093,379-43,093,388 gives the same sequence; the c. name uses the placement nearest the transcript's 3' end. VCF-style (leftmost placement, unchanged base first): chr17-43093378-AGTTCACTG-A. GRCh37 (hg19) VCF-style: chr17-41245395-AGTTCACTG-A.
Other names: c.1932_1939del, p.Thr644_Ser645insTer (NM_001407571.1, NM_001407853.1, NM_001407894.1 and 9 more transcripts); c.2145_2152del, p.Thr715_Ser716insTer (NM_001407581.1, NM_001407582.1, NM_001407583.1 and 30 more transcripts); c.2142_2149del, p.Thr714_Ser715insTer (NM_001407587.1, NM_001407590.1, NM_001407591.1 and 22 more transcripts); c.2136_2143del, p.Thr712_Ser713insTer (NM_001407646.1, NM_001407647.1); c.2022_2029del, p.Thr674_Ser675insTer (NM_001407648.1, NM_001407664.1, NM_001407665.1 and 19 more transcripts); c.2019_2026del, p.Thr673_Ser674insTer (NM_001407649.1, NM_001407670.1, NM_001407671.1 and 11 more transcripts); c.2067_2074del, p.Thr689_Ser690insTer (NM_001407653.1, NM_001407654.1, NM_001407655.1 and 4 more transcripts); c.2064_2071del, p.Thr688_Ser689insTer (NM_001407659.1, NM_001407660.1, NM_001407661.1 and 1 more transcripts); and 41 more.
Identifiers: ClinVar variation 1071268 (VCV001071268.3), dbSNP rs2154396775, ClinGen allele CA2499224520.